The following is an entry in ClinVar:

ClinVar aggregate classification (germline): Conflicting classifications of pathogenicity. Review status: criteria provided, conflicting classifications (1 of 4 stars). 5 submissions from 5 submitters: Uncertain significance (2); Benign (1); Likely benign (2). Last evaluated 2025-12-29.

Conditions:
CNGA1-related disorder. Also called: CNGA1-related condition.
Retinitis pigmentosa (RP). Identifiers: Orphanet 791, MedGen C0035334, MeSH D012174, MONDO:0019200, OMIM 268000. Inheritance: Autosomal dominant, autosomal recessive and X linked inheritance.

Allele frequency attached by ClinVar (database versions not stated): TOPMed 0.00004; 1000 Genomes Project 0.00020; gnomAD exomes 0.00029 and 0.00062; gnomAD 0.00034 and 0.00035; ExAC 0.00054.
gnomAD v4.1: 346 of 1,158,036 alleles (0.03%); highest among the groups gnomAD compares: Non-Finnish European, 0.0081%; 1 homozygote.

Submissions (5):

Labcorp Genetics (formerly Invitae), Labcorp
Classification: Likely benign. Last evaluated: 2025-12-29. Review status: criteria provided, single submitter. Criteria: Invitae Variant Classification Sherloc (09022015). Collection method: clinical testing. Allele origin: germline.

PreventionGenetics, part of Exact Sciences
Classification: Likely benign for CNGA1-related condition. Last evaluated: 2025-12-05. Review status: criteria provided, single submitter. Criteria: ACMG Guidelines, 2015. Collection method: clinical testing. Allele origin: germline.
Comment: This variant is classified as likely benign based on ACMG/AMP sequence variant interpretation guidelines (Richards et al. 2015 PMID: 25741868, with internal and published modifications).

Blueprint Genetics
Classification: Benign. Last evaluated: 2024-09-30. Review status: criteria provided, single submitter. Criteria: ACMG Guidelines, 2015. Collection method: clinical testing. Allele origin: germline.

Illumina Laboratory Services, Illumina
Classification: Uncertain significance for Retinitis pigmentosa. Last evaluated: 2018-01-12. Review status: criteria provided, single submitter. Criteria: ICSL Variant Classification Criteria 13 December 2019. Collection method: clinical testing. Allele origin: germline.

Breakthrough Genomics
Classification: Uncertain significance. Review status: criteria provided, single submitter. Criteria: ACMG Guidelines, 2015. Collection method: not provided. Allele origin: germline. Inheritance: Unknown mechanism. Affected: yes.

NM_001379270.1(CNGA1):c.349G>A (p.Glu117Lys)

Genes: CNGA1 (cyclic nucleotide gated channel subunit alpha 1; minus strand), LOC101927157 (uncharacterized LOC101927157; plus strand). Cytogenetic location: 4p12.
Variant type: single nucleotide variant.
Coding change: c.349G>A on transcript NM_001379270.1 (MANE Select); coding-DNA position 349, G replaced by A.
Protein change: p.Glu117Lys; replaces glutamic acid 117 with lysine.
Molecular consequence: missense variant.
Genome position (GRCh38, 1-based): chr4:47,943,269, C>T on the plus strand (G>A on the coding strand, the complement: CNGA1 is on the minus strand). VCF-style: chr4-47943269-C-T. GRCh37 (hg19) VCF-style: chr4-47945286-C-T.
Other names: c.349G>A, p.Glu117Lys (NM_000087.5, NM_001142564.2); short protein forms E117K.
Identifiers: ClinVar variation 348844 (VCV000348844.14), dbSNP rs539600817, ClinGen allele CA2911307.